The following is an entry in ClinVar:

NM_006258.4(PRKG1):c.307C>T (p.Pro103Ser)

Gene: PRKG1 (protein kinase cGMP-dependent 1; plus strand). Cytogenetic location: 10q11.23.
Variant type: single nucleotide variant.
Coding change: c.307C>T on transcript NM_006258.4 (MANE Select); coding-DNA position 307, C replaced by T.
Protein change: p.Pro103Ser; replaces proline 103 with serine.
Molecular consequence: missense variant. On other transcripts: intron variant (1).
Genome position (GRCh38, 1-based): chr10:51,074,897, C>T. VCF-style: chr10-51074897-C-T. GRCh37 (hg19) VCF-style: chr10-52834657-C-T.
Other names: c.307C>T (NM_006258.3); c.307C>T, p.Pro103Ser (NM_001374782.1); c.267-78267C>T (NM_001098512.3); short protein forms P103S.
Identifiers: ClinVar variation 2098464 (VCV002098464.3), dbSNP rs201361942, ClinGen allele CA376827324.
Genomic context (GRCh38, chr10:51,074,897, plus strand): 5'-CCCACCGCCTTCGACATCCAGGATCTCAGCCATGTGACCCTGCCCTTCTACCCCAAGAGC[C>T]CACAGTAAGCAGGGGTGACGCGCCGGGTCCATGTGGCGCCCTGGCGATGGGGAGCTGCGG-3'
Protein context (NP_006249.1, residues 93-113): HVTLPFYPKS[Pro103Ser]QSKDLIKEAI

ClinVar aggregate classification (germline): Uncertain significance. Review status: criteria provided, multiple submitters, no conflicts (2 of 4 stars). 2 submissions from 2 submitters: Uncertain significance (2). Last evaluated 2023-01-22.

Conditions:
Aortic aneurysm, familial thoracic 8 (AAT8). Identifiers: MedGen C3809513, MONDO:0014187, OMIM 615436.
Familial thoracic aortic aneurysm and aortic dissection (TAAD). Also called: Thoracic aortic aneurysms and dissections. Identifiers: Orphanet 91387, MedGen C4707243, MONDO:0019625.

Allele frequency attached by ClinVar (database versions not stated): TOPMed 0.00001.
gnomAD v4.1: 12 of 1,604,040 alleles (0.00075%); highest among the groups gnomAD compares: Non-Finnish European, 0.001%; no homozygotes.

Submissions (2):

Ambry Genetics
Classification: Uncertain significance for Familial thoracic aortic aneurysm and aortic dissection. Last evaluated: 2023-01-22. Review status: criteria provided, single submitter. Criteria: Ambry Variant Classification Scheme 2023. Collection method: clinical testing. Allele origin: germline.
Comment: The p.P103S variant (also known as c.307C>T), located in coding exon 1 of the PRKG1 gene, results from a C to T substitution at nucleotide position 307. The proline at codon 103 is replaced by serine, an amino acid with similar properties. This amino acid position is conserved. In addition, the in silico prediction for this alteration is inconclusive. Since supporting evidence is limited at this time, the clinical significance of this alteration remains unclear.

Labcorp Genetics (formerly Invitae), Labcorp
Classification: Uncertain significance for Aortic aneurysm, familial thoracic 8. Last evaluated: 2022-09-16. Review status: criteria provided, single submitter. Criteria: Invitae Variant Classification Sherloc (09022015). Collection method: clinical testing. Allele origin: germline.
Comment: This sequence change replaces proline, which is neutral and non-polar, with serine, which is neutral and polar, at codon 103 of the PRKG1 protein (p.Pro103Ser). This variant is not present in population databases (gnomAD no frequency). This variant has not been reported in the literature in individuals affected with PRKG1-related conditions. Algorithms developed to predict the effect of missense changes on protein structure and function (SIFT, PolyPhen-2, Align-GVGD) all suggest that this variant is likely to be tolerated. In summary, the available evidence is currently insufficient to determine the role of this variant in disease. Therefore, it has been classified as a Variant of Uncertain Significance.